The following is an entry in ClinVar:

ClinVar aggregate classification (germline): Uncertain significance. Review status: criteria provided, multiple submitters, no conflicts (2 of 4 stars). 2 submissions from 2 submitters: Uncertain significance (2). Last evaluated 2020-03-20.

Conditions:
Hereditary cancer-predisposing syndrome. Also called: Hereditary neoplastic syndrome; Neoplastic Syndromes, Hereditary; Tumor predisposition; Hereditary Cancer Syndrome. Identifiers: Orphanet 140162, MedGen C0027672, MeSH D009386, MONDO:0015356.
Oligodontia-cancer predisposition syndrome. Also called: TOOTH AGENESIS-COLORECTAL CANCER SYNDROME. Identifiers: Orphanet 300576, MedGen C1837750, MONDO:0012075, OMIM 608615. Disease mechanism: loss of function.

Submissions (2):

Ambry Genetics
Classification: Uncertain significance for Hereditary cancer-predisposing syndrome. Last evaluated: 2020-03-20. Review status: criteria provided, single submitter. Criteria: Ambry Variant Classification Scheme 2023. Collection method: clinical testing. Allele origin: germline.
Comment: The p.E32D variant (also known as c.96G>T), located in coding exon 1 of the AXIN2 gene, results from a G to T substitution at nucleotide position 96. The glutamic acid at codon 32 is replaced by aspartic acid, an amino acid with highly similar properties. This amino acid position is well conserved in available vertebrate species. In addition, this alteration is predicted to be tolerated by in silico analysis. Since supporting evidence is limited at this time, the clinical significance of this alteration remains unclear.

Labcorp Genetics (formerly Invitae), Labcorp
Classification: Uncertain significance for Oligodontia-cancer predisposition syndrome. Last evaluated: 2017-08-29. Review status: criteria provided, single submitter. Criteria: Invitae Variant Classification Sherloc (09022015). Collection method: clinical testing. Allele origin: germline.
Comment: In summary, the available evidence is currently insufficient to determine the role of this variant in disease. Therefore, it has been classified as a Variant of Uncertain Significance. Algorithms developed to predict the effect of missense changes on protein structure and function output the following: SIFT: "Tolerated"; PolyPhen-2: "Benign"; Align-GVGD: "Class C0". The aspartic acid amino acid residue is found in multiple mammalian species, suggesting that this missense change does not adversely affect protein function. These predictions have not been confirmed by published functional studies and their clinical significance is uncertain. This variant has not been reported in the literature in individuals with AXIN2-related disease. This variant is not present in population databases (ExAC no frequency). This sequence change replaces glutamic acid with aspartic acid at codon 32 of the AXIN2 protein (p.Glu32Asp). The glutamic acid residue is moderately conserved and there is a small physicochemical difference between glutamic acid and aspartic acid.

NM_004655.4(AXIN2):c.96G>T (p.Glu32Asp)

Gene: AXIN2 (axin 2; minus strand). Cytogenetic location: 17q24.1.
Variant type: single nucleotide variant.
Coding change: c.96G>T on transcript NM_004655.4 (MANE Select); coding-DNA position 96, G replaced by T.
Protein change: p.Glu32Asp; replaces glutamic acid 32 with aspartic acid.
Molecular consequence: missense variant.
Genome position (GRCh38, 1-based): chr17:65,558,525, C>A on the plus strand (G>T on the coding strand, the complement: AXIN2 is on the minus strand). VCF-style: chr17-65558525-C-A. GRCh37 (hg19) VCF-style: chr17-63554643-C-A.
Other names: c.96G>T, p.Glu32Asp (NM_001363813.1); c.96G>T (LRG_296t1); short protein forms E32D.
Identifiers: ClinVar variation 533209 (VCV000533209.11), dbSNP rs1453134737, ClinGen allele CA400682202.